The following is an entry in ClinVar:

NM_000246.4(CIITA):c.2T>G (p.Met1Arg)

Gene: CIITA (class II major histocompatibility complex transactivator; plus strand). Cytogenetic location: 16p13.13.
Variant type: single nucleotide variant.
Coding change: c.2T>G on transcript NM_000246.4 (MANE Select); coding-DNA position 2, T replaced by G.
Protein change: p.Met1Arg; changes the start codon (methionine 1).
Molecular consequence: missense variant, initiator codon variant. On other transcripts: non-coding transcript variant (1).
Genome position (GRCh38, 1-based): chr16:10,877,332, T>G. VCF-style: chr16-10877332-T-G. GRCh37 (hg19) VCF-style: chr16-10971189-T-G.
Other names: c.2T>G, p.Met1Arg (NM_001286402.1, NM_001286403.2, NM_001379330.1 and 3 more transcripts); short protein forms M1R.
Identifiers: ClinVar variation 2116142 (VCV002116142.5), dbSNP rs1361878318, ClinGen allele CA394725201.

ClinVar aggregate classification (germline): Uncertain significance (1 of 4 stars; one submission).

Conditions:
MHC class II deficiency. Also called: Bare lymphocyte syndrome 2; BLS, TYPE II. Identifiers: Orphanet 572, MedGen C5447452, MONDO:0008855.

Submission:

Labcorp Genetics (formerly Invitae), Labcorp
Classification: Uncertain significance for MHC class II deficiency. Last evaluated: 2022-08-29. Review status: criteria provided, single submitter. Criteria: Invitae Variant Classification Sherloc (09022015). Collection method: clinical testing. Allele origin: germline.
Comment: Experimental studies and prediction algorithms are not available or were not evaluated, and the functional significance of this variant is currently unknown. In summary, the available evidence is currently insufficient to determine the role of this variant in disease. Therefore, it has been classified as a Variant of Uncertain Significance. This variant has not been reported in the literature in individuals affected with CIITA-related conditions. This variant is not present in population databases (gnomAD no frequency). This sequence change affects the initiator methionine of the CIITA mRNA. The next in-frame methionine is located at codon 25.